The following is an entry in ClinVar:

ClinVar aggregate classification (germline): Benign. Review status: criteria provided, multiple submitters, no conflicts (2 of 4 stars). 6 submissions from 5 submitters: Benign (6). Last evaluated 2026-02-02.

Conditions:
Hypophosphatemic rickets, autosomal recessive, 2 (ARHR2). Identifiers: Orphanet 289176, MedGen C2750078, MONDO:0013219, OMIM 613312.
Arterial calcification, generalized, of infancy, 1 (GACI1). Also called: Idiopathic Infantile Arterial Calcification. Identifiers: Orphanet 51608, MedGen C4551985, MONDO:0008817, OMIM 208000.

Allele frequency attached by ClinVar (database versions not stated): gnomAD exomes 0.02558 and 0.03424; ExAC 0.03866; gnomAD 0.07293 and 0.07647; 1000 Genomes Project 0.07907; TOPMed 0.08029; ESP Exome Variant Server 0.08227; 1000 Genomes Project 30x 0.08229.
gnomAD v4.1: 48,974 of 1,613,376 alleles (3%); highest among the groups gnomAD compares: African/African-American, 21%; 2,136 homozygotes.

Submissions (6):

Labcorp Genetics (formerly Invitae), Labcorp
Classification: Benign. Last evaluated: 2026-02-02. Review status: criteria provided, single submitter. Criteria: Invitae Variant Classification Sherloc (09022015). Collection method: clinical testing. Allele origin: germline.

Blueprint Genetics
Classification: Benign. Last evaluated: 2024-11-26. Review status: criteria provided, single submitter. Criteria: ACMG Guidelines, 2015. Collection method: clinical testing. Allele origin: germline.

Mayo Clinic Laboratories, Mayo Clinic
Classification: Benign. Last evaluated: 2022-03-09. Review status: criteria provided, single submitter. Criteria: ACMG Guidelines, 2015. Collection method: clinical testing. Allele origin: germline. Observed: 19 variant alleles.

GeneDx
Classification: Benign. Last evaluated: 2018-08-30. Review status: criteria provided, single submitter. Criteria: GeneDx Variant Classification Process June 2021. Collection method: clinical testing. Allele origin: germline. Affected: yes.

Illumina Laboratory Services, Illumina
Classification: Benign for Arterial calcification, generalized, of infancy, 1. Last evaluated: 2018-01-12. Review status: criteria provided, single submitter. Criteria: ICSL Variant Classification Criteria 13 December 2019. Collection method: clinical testing. Allele origin: germline.
Comment: This variant was observed in the ICSL laboratory as part of a predisposition screen in an ostensibly healthy population. It had not been previously curated by ICSL or reported in the Human Gene Mutation Database (HGMD: prior to June 1st, 2018), and was therefore a candidate for classification through an automated scoring system. Utilizing variant allele frequency, disease prevalence and penetrance estimates, and inheritance mode, an automated score was calculated to assess if this variant is too frequent to cause the disease. Based on the score and internal cut-off values, a variant classified as benign is not then subjected to further curation. The score for this variant resulted in a classification of benign for this disease.

Illumina Laboratory Services, Illumina
Classification: Benign for Hypophosphatemic rickets, autosomal recessive, 2. Last evaluated: 2018-01-12. Review status: criteria provided, single submitter. Criteria: ICSL Variant Classification Criteria 13 December 2019. Collection method: clinical testing. Allele origin: germline.
Comment: the same text as in the submission from Illumina Laboratory Services, Illumina above.

NM_006208.3(ENPP1):c.2661A>G (p.Ala887=)

Gene: ENPP1 (ectonucleotide pyrophosphatase/phosphodiesterase 1; plus strand). Cytogenetic location: 6q23.2.
Variant type: single nucleotide variant.
Coding change: c.2661A>G on transcript NM_006208.3 (MANE Select); coding-DNA position 2661, A replaced by G.
Protein change: p.Ala887=; no amino-acid change (alanine 887 retained).
Molecular consequence: synonymous variant.
Genome position (GRCh38, 1-based): chr6:131,890,394, A>G. VCF-style: chr6-131890394-A-G. GRCh37 (hg19) VCF-style: chr6-132211534-A-G.
Other names: p.Ala887=.
Identifiers: ClinVar variation 355353 (VCV000355353.16), dbSNP rs1804025, ClinGen allele CA4002606.